The following is an entry in ClinVar:

NM_001367624.2(ZNF469):c.808G>T (p.Gly270Ter)

Gene: ZNF469 (zinc finger protein 469; plus strand). Cytogenetic location: 16q24.2.
Variant type: single nucleotide variant.
Coding change: c.808G>T on transcript NM_001367624.2 (MANE Select); coding-DNA position 808, G replaced by T.
Protein change: p.Gly270Ter; replaces glycine 270 with a stop codon.
Molecular consequence: nonsense.
Genome position (GRCh38, 1-based): chr16:88,428,278, G>T. VCF-style: chr16-88428278-G-T. GRCh37 (hg19) VCF-style: chr16-88494686-G-T.
Other names: short protein forms G270*.
Identifiers: ClinVar variation 2827827 (VCV002827827.3), dbSNP rs2507572620, ClinGen allele CA397061997.

ClinVar aggregate classification (germline): Pathogenic (1 of 4 stars; one submission).

Submission:

Labcorp Genetics (formerly Invitae), Labcorp
Classification: Pathogenic. Last evaluated: 2023-01-12. Review status: criteria provided, single submitter. Criteria: Invitae Variant Classification Sherloc (09022015). Collection method: clinical testing. Allele origin: germline.
Comment: For these reasons, this variant has been classified as Pathogenic. Algorithms developed to predict the effect of sequence changes on RNA splicing suggest that this variant may create or strengthen a splice site. This variant has not been reported in the literature in individuals affected with ZNF469-related conditions. This variant is not present in population databases (gnomAD no frequency). This sequence change creates a premature translational stop signal (p.Gly270*) in the ZNF469 gene. It is expected to result in an absent or disrupted protein product. Loss-of-function variants in ZNF469 are known to be pathogenic (PMID: 23642083, 23680354).

Literature cited by the submitters: PubMed 23642083; PubMed 23680354.